The following is an entry in ClinVar:

ClinVar aggregate classification (germline): Likely benign. Review status: criteria provided, multiple submitters, no conflicts (2 of 4 stars). 3 submissions from 3 submitters: Likely benign (2). 1 of the submissions does not count toward it. Last evaluated 2025-09-10.

Conditions:
TRIOBP-related disorder. Also called: TRIOBP-related condition.

Allele frequency attached by ClinVar (database versions not stated): gnomAD exomes 0.00021; TOPMed 0.00093; ExAC 0.00021; 1000 Genomes Project 30x 0.00047; 1000 Genomes Project 0.00040; ESP Exome Variant Server 0.00098.
gnomAD v4.1: 262 of 1,572,850 alleles (0.017%); highest among the groups gnomAD compares: African/African-American, 0.31%; no homozygotes.

Submissions (3):

Labcorp Genetics (formerly Invitae), Labcorp
Classification: Likely benign. Last evaluated: 2025-09-10. Review status: criteria provided, single submitter. Criteria: Invitae Variant Classification Sherloc (09022015). Collection method: clinical testing. Allele origin: germline.

GeneDx
Classification: Likely benign. Last evaluated: 2021-02-16. Review status: criteria provided, single submitter. Criteria: GeneDx Variant Classification Process June 2021. Collection method: clinical testing. Allele origin: germline. Affected: yes.

PreventionGenetics, part of Exact Sciences
Classification: Likely benign for TRIOBP-related condition. Last evaluated: 2024-09-06. Review status: no assertion criteria provided. Collection method: clinical testing. Allele origin: germline. Not counted in ClinVar's aggregate classification.
Comment: This variant is classified as likely benign based on ACMG/AMP sequence variant interpretation guidelines (Richards et al. 2015 PMID: 25741868, with internal and published modifications).

NM_001039141.3(TRIOBP):c.3635T>A (p.Leu1212Gln)

Gene: TRIOBP (TRIO and F-actin binding protein; plus strand). Cytogenetic location: 22q13.1.
Variant type: single nucleotide variant.
Coding change: c.3635T>A on transcript NM_001039141.3 (MANE Select); coding-DNA position 3635, T replaced by A.
Protein change: p.Leu1212Gln; replaces leucine 1212 with glutamine.
Molecular consequence: missense variant.
Genome position (GRCh38, 1-based): chr22:37,726,191, T>A. VCF-style: chr22-37726191-T-A. GRCh37 (hg19) VCF-style: chr22-38122198-T-A.
Other names: short protein forms L1212Q.
Identifiers: ClinVar variation 1206437 (VCV001206437.7), dbSNP rs201392187, ClinGen allele CA10224168.